The following is an entry in ClinVar:

ClinVar aggregate classification (germline): Likely benign (1 of 4 stars; one submission).

Allele frequency attached by ClinVar (database versions not stated): gnomAD 0.00005; ExAC 0.00022.

Submission:

CeGaT Center for Human Genetics Tuebingen
Classification: Likely benign. Last evaluated: 2023-01-01. Review status: criteria provided, single submitter. Criteria: CeGaT Center For Human Genetics Tuebingen Variant Classification Criteria Version 2. Collection method: clinical testing. Allele origin: germline. Affected: yes. Observed: 1 variant allele.
Comment: MUCL3: BP4, BP7

NM_080870.4(MUCL3):c.1665C>T (p.Ser555=)

Genes: HCG21 (HLA complex group 21; minus strand), MUCL3 (mucin like 3; plus strand). Cytogenetic location: 6p21.33.
Variant type: single nucleotide variant.
Coding change: c.1665C>T on transcript NM_080870.4 (MANE Select); coding-DNA position 1665, C replaced by T.
Protein change: p.Ser555=; no amino-acid change (serine 555 retained).
Molecular consequence: synonymous variant.
Genome position (GRCh38, 1-based): chr6:30,950,129, C>T. VCF-style: chr6-30950129-C-T. GRCh37 (hg19) VCF-style: chr6-30917906-C-T.
Identifiers: ClinVar variation 2656345 (VCV002656345.24), dbSNP rs760348956, ClinGen allele CA3706676.
Genomic context (GRCh38, chr6:30,950,129, plus strand): 5'-ATCCCCAGCAGAGCCTACAGAAAATAGAGAAAGGACAGCCAATGAGAAGACCACACCATC[C>T]CCAGCAGAGCCTACAGAAAATGGAGACAGGACTCCTTTGGCCAATGAGAAGACCACGCCA-3'
Protein context (NP_543146.2, residues 545-565): ERTANEKTTP[Ser555=]PAEPTENGDR